The following is an entry in ClinVar:

NM_000059.4(BRCA2):c.5627A>G (p.Glu1876Gly)

Gene: BRCA2 (BRCA2 DNA repair associated; plus strand). Cytogenetic location: 13q13.1.
Variant type: single nucleotide variant.
Coding change: c.5627A>G on transcript NM_000059.4 (MANE Select); coding-DNA position 5627, A replaced by G.
Protein change: p.Glu1876Gly; replaces glutamic acid 1876 with glycine.
Molecular consequence: missense variant.
Genome position (GRCh38, 1-based): chr13:32,339,982, A>G. VCF-style: chr13-32339982-A-G. GRCh37 (hg19) VCF-style: chr13-32914119-A-G.
Other names: c.5627A>G (NM_000059.3); short protein forms E1876G.
Identifiers: ClinVar variation 1054102 (VCV001054102.12), dbSNP rs2137519300, ClinGen allele CA387786117.
Genomic context (GRCh38, chr13:32,339,982, plus strand): 5'-ATGAAACAATTAAAAAAGTGAAAGACATATTTACAGACAGTTTCAGTAAAGTAATTAAGG[A>G]AAACAACGAGAATAAATCAAAAATTTGCCAAACGAAAATTATGGCAGGTTGTTACGAGGC-3'
Protein context (NP_000050.3, residues 1866-1886): FTDSFSKVIK[Glu1876Gly]NNENKSKICQ

ClinVar aggregate classification (germline): Conflicting classifications of pathogenicity. Review status: criteria provided, conflicting classifications (1 of 4 stars). 3 submissions from 3 submitters: Uncertain significance (2); Likely benign (1). Last evaluated 2023-08-14.

Conditions:
Hereditary breast ovarian cancer syndrome. Also called: Hereditary breast and/or ovarian cancer syndrome; Hereditary breast and ovarian cancer syndrome; Hereditary breast and ovarian cancer syndrome (HBOC); Breast and ovarian cancer; Hereditary breast and ovarian cancer; BRCA1- and BRCA2-Associated Hereditary Breast and Ovarian Cancer. Identifiers: Orphanet 145, MedGen C0677776, MeSH D061325, MONDO:0003582. Disease mechanism: loss of function.
Hereditary cancer-predisposing syndrome. Also called: Hereditary Cancer Syndrome; Tumor predisposition; Hereditary neoplastic syndrome; Neoplastic Syndromes, Hereditary. Identifiers: Orphanet 140162, MedGen C0027672, MeSH D009386, MONDO:0015356.

Submissions (3):

Ambry Genetics
Classification: Uncertain significance for Hereditary cancer-predisposing syndrome. Last evaluated: 2023-08-14. Review status: criteria provided, single submitter. Criteria: Ambry Variant Classification Scheme 2023. Collection method: clinical testing. Allele origin: germline.
Comment: The p.E1876G variant (also known as c.5627A>G), located in coding exon 10 of the BRCA2 gene, results from an A to G substitution at nucleotide position 5627. The glutamic acid at codon 1876 is replaced by glycine, an amino acid with similar properties. This amino acid position is conserved. In addition, this alteration is predicted to be tolerated by in silico analysis. Since supporting evidence is limited at this time, the clinical significance of this alteration remains unclear.

University of Washington Department of Laboratory Medicine, University of Washington
Classification: Likely benign for Hereditary cancer-predisposing syndrome. Last evaluated: 2023-03-23. Review status: criteria provided, single submitter. Criteria: Dines et al. (Genet Med. 2020). Collection method: curation. Allele origin: germline.
Comment: Missense variant in a coldspot region where missense variants are very unlikely to be pathogenic (PMID:31911673).

BRCA2 exon 11 coldspot. Reclassification based on statistical prior probability.

Labcorp Genetics (formerly Invitae), Labcorp
Classification: Uncertain significance for Hereditary breast ovarian cancer syndrome. Last evaluated: 2022-06-10. Review status: criteria provided, single submitter. Criteria: Invitae Variant Classification Sherloc (09022015). Collection method: clinical testing. Allele origin: germline.
Comment: ClinVar contains an entry for this variant (Variation ID: 1054102). This variant has not been reported in the literature in individuals affected with BRCA2-related conditions. This variant is not present in population databases (gnomAD no frequency). In summary, the available evidence is currently insufficient to determine the role of this variant in disease. Therefore, it has been classified as a Variant of Uncertain Significance. Advanced modeling of protein sequence and biophysical properties (such as structural, functional, and spatial information, amino acid conservation, physicochemical variation, residue mobility, and thermodynamic stability) performed at Invitae indicates that this missense variant is not expected to disrupt BRCA2 protein function. This sequence change replaces glutamic acid, which is acidic and polar, with glycine, which is neutral and non-polar, at codon 1876 of the BRCA2 protein (p.Glu1876Gly).